The following is an entry in ClinVar:

ClinVar aggregate classification (germline): Uncertain significance (1 of 4 stars; one submission).

Submission:

Women's Health and Genetics/Laboratory Corporation of America, LabCorp
Classification: Uncertain significance. Last evaluated: 2022-06-03. Review status: criteria provided, single submitter. Criteria: LabCorp Variant Classification Summary - May 2015. Collection method: clinical testing. Allele origin: germline.
Comment: Variant summary: F9 c.997C>T (p.Pro333Ser) results in a non-conservative amino acid change located in the Serine proteases, trypsin domain of the encoded protein sequence. Five of five in-silico tools predict a damaging effect of the variant on protein function. The variant was absent in 183414 control chromosomes. The available data on variant occurrences in the general population are insufficient to allow any conclusion about variant significance. To our knowledge, no occurrence of c.997C>T in individuals affected with Factor IX Deficiency (Hemophilia B) and no experimental evidence demonstrating its impact on protein function have been reported. Another variant at the same codon has been reported in association with Haemophilia B (p.P333T). No clinical diagnostic laboratories have submitted clinical-significance assessments for this variant to ClinVar after 2014. Based on the evidence outlined above, the variant was classified as uncertain significance.

NM_000133.4(F9):c.997C>T (p.Pro333Ser)

Gene: F9 (coagulation factor IX; plus strand). Cytogenetic location: Xq27.1.
Variant type: single nucleotide variant.
Coding change: c.997C>T on transcript NM_000133.4 (MANE Select); coding-DNA position 997, C replaced by T.
Protein change: p.Pro333Ser; replaces proline 333 with serine.
Molecular consequence: missense variant.
Genome position (GRCh38, 1-based): chrX:139,561,682, C>T. VCF-style: chrX-139561682-C-T. GRCh37 (hg19) VCF-style: chrX-138643841-C-T.
Other names: c.883C>T, p.Pro295Ser (NM_001313913.2); short protein forms P295S, P333S.
Identifiers: ClinVar variation 1698458 (VCV001698458.1), dbSNP rs2148367784, ClinGen allele CA414445265.
Genomic context (GRCh38, chrX:139,561,682, plus strand): 5'-AACCATGACATTGCCCTTCTGGAACTGGACGAACCCTTAGTGCTAAACAGCTACGTTACA[C>T]CTATTTGCATTGCTGACAAGGAATACACGAACATCTTCCTCAAATTTGGATCTGGCTATG-3'
Protein context (NP_000124.1, residues 323-343): EPLVLNSYVT[Pro333Ser]ICIADKEYTN